The following is an entry in ClinVar:

ClinVar aggregate classification (germline): Pathogenic. Review status: criteria provided, multiple submitters, no conflicts (2 of 4 stars). 2 submissions from 2 submitters: Pathogenic (2). Last evaluated 2024-03-30.

Conditions:
Birt-Hogg-Dube syndrome. Also called: Birt Hogg Dubé syndrome. Identifiers: Orphanet 122, MedGen C0346010, MONDO:0800444.
Hereditary cancer-predisposing syndrome. Also called: Hereditary neoplastic syndrome; Neoplastic Syndromes, Hereditary; Tumor predisposition; Hereditary Cancer Syndrome. Identifiers: Orphanet 140162, MedGen C0027672, MeSH D009386, MONDO:0015356.

Submissions (2):

Labcorp Genetics (formerly Invitae), Labcorp
Classification: Pathogenic for Birt-Hogg-Dube syndrome. Last evaluated: 2024-03-30. Review status: criteria provided, single submitter. Criteria: Invitae Variant Classification Sherloc (09022015). Collection method: clinical testing. Allele origin: germline.
Comment: This sequence change creates a premature translational stop signal (p.Gln385Serfs*83) in the FLCN gene. It is expected to result in an absent or disrupted protein product. Loss-of-function variants in FLCN are known to be pathogenic (PMID: 15852235). This variant is not present in population databases (gnomAD no frequency). This premature translational stop signal has been observed in individual(s) with renal cancer (PMID: 32782288). ClinVar contains an entry for this variant (Variation ID: 485603). For these reasons, this variant has been classified as Pathogenic.

Ambry Genetics
Classification: Pathogenic for Hereditary cancer-predisposing syndrome. Last evaluated: 2016-12-08. Review status: criteria provided, single submitter. Criteria: Ambry Variant Classification Scheme 2023. Collection method: clinical testing. Allele origin: germline.
Comment: The c.1153delC pathogenic mutation, located in coding exon 7 of the FLCN gene, results from a deletion of one nucleotide at nucleotide position 1153, causing a translational frameshift with a predicted alternate stop codon (p.Q385Sfs*83). This alteration is expected to result in loss of function by premature protein truncation or nonsense-mediated mRNA decay. As such, this alteration is interpreted as a disease-causing mutation.

Literature cited by the submitters: PubMed 15852235 (cited by Labcorp Genetics (formerly Invitae), Labcorp); PubMed 32782288 (cited by Labcorp Genetics (formerly Invitae), Labcorp).

NM_144997.7(FLCN):c.1153del (p.Gln385fs)

Gene: FLCN (folliculin; minus strand). Cytogenetic location: 17p11.2.
Variant type: Deletion.
Coding change: c.1153del on transcript NM_144997.7 (MANE Select); coding-DNA position 1153, one base deleted (C; older notation c.1153delC).
Protein change: p.Gln385fs; shifts the reading frame from glutamine 385.
Molecular consequence: frameshift variant.
Genome position (GRCh38, 1-based): chr17:17,217,092, G deleted on the plus strand (C on the coding strand, the reverse complement: FLCN is on the minus strand); the first of 2 consecutive G bases (chr17:17,217,092-17,217,093); deleting either gives the same sequence. VCF-style (leftmost placement, unchanged base first): chr17-17217091-TG-T. GRCh37 (hg19) VCF-style: chr17-17120405-TG-T.
Other names: c.1153del (LRG_325t1); c.1207del, p.Gln403fs (NM_001353229.2); c.1153del, p.Gln385fs (NM_001353230.2, NM_001353231.2); short protein forms Q403fs, Q385fs.
Identifiers: ClinVar variation 485603 (VCV000485603.7), dbSNP rs1555607960, ClinGen allele CA658656540.